The following is an entry in ClinVar:

ClinVar aggregate classification (germline): Uncertain significance (1 of 4 stars; one submission).

Submission:

Labcorp Genetics (formerly Invitae), Labcorp
Classification: Uncertain significance. Last evaluated: 2024-04-24. Review status: criteria provided, single submitter. Criteria: Invitae Variant Classification Sherloc (09022015). Collection method: clinical testing. Allele origin: germline.
Comment: This sequence change replaces serine, which is neutral and polar, with glycine, which is neutral and non-polar, at codon 811 of the LZTR1 protein (p.Ser811Gly). Information on the frequency of this variant in the gnomAD database is not available, as this variant may be reported differently in the database. This variant has not been reported in the literature in individuals affected with LZTR1-related conditions. An algorithm developed to predict the effect of missense changes on protein structure and function (PolyPhen-2) suggests that this variant is likely to be tolerated. In summary, the available evidence is currently insufficient to determine the role of this variant in disease. Therefore, it has been classified as a Variant of Uncertain Significance.

NM_006767.4(LZTR1):c.2431_2432delinsGG (p.Ser811Gly)

Gene: LZTR1 (leucine zipper like post translational regulator 1; plus strand). Cytogenetic location: 22q11.21.
Variant type: Indel.
Coding change: c.2431_2432delinsGG on transcript NM_006767.4 (MANE Select); coding-DNA positions 2431 to 2432, TC replaced by GG.
Protein change: p.Ser811Gly; replaces serine 811 with glycine.
Molecular consequence: missense variant.
Genome position (GRCh38, 1-based): chr22:20,997,256-20,997,257, TC replaced by GG. VCF-style: chr22-20997256-TC-GG. GRCh37 (hg19) VCF-style: chr22-21351545-TC-GG.
Other names: short protein forms S811G.
Identifiers: ClinVar variation 3665883 (VCV003665883.2).